The following is an entry in ClinVar:

ClinVar aggregate classification (germline): Benign. Review status: criteria provided, multiple submitters, no conflicts (2 of 4 stars). 2 submissions from 2 submitters: Benign (2). Last evaluated 2025-02-16.

Conditions:
Leigh syndrome (NULS). Also called: Leigh's necrotizing encephalopathy; Leigh's disease; Leigh Syndrome (mtDNA deletion); Leigh Disease; Subacute necrotizing encephalopathy; Necrotizing encephalopathy infantile subacute of Leigh. Identifiers: Orphanet 506, MedGen C2931891, MONDO:0009723, OMIM 256000.

Submissions (2):

Laboratory of Genetics, Children's Clinical University Hospital Latvia
Classification: Benign. Last evaluated: 2025-02-16. Review status: criteria provided, single submitter. Criteria: ACMG Guidelines, 2015. Collection method: clinical testing. Allele origin: germline. Affected: yes.

Wong Mito Lab, Molecular and Human Genetics, Baylor College of Medicine
Classification: Benign for Leigh syndrome. Last evaluated: 2019-10-17. Review status: criteria provided, single submitter. Criteria: Modified ACMG Guidelines (Unpublished). Collection method: clinical testing. Allele origin: germline.
Comment: The NC_012920.1:m.10654C>T (YP_003024034.1:p.Ala62Val) variant in MTND4L gene is interpretated to be a Benign variant based on the modified ACMG guidelines (unpublished). This variant meets the following evidence codes: BS1, BS2, BP4

NC_012920.1(MT-ND4L):m.10654C>T

Gene: MT-ND4L (mitochondrially encoded NADH dehydrogenase 4L; plus strand).
Variant type: single nucleotide variant.
Genome position: chrM-10654-C-T.
Identifiers: ClinVar variation 693308 (VCV000693308.2), dbSNP rs1603222934, ClinGen allele CA414806256.